The following is an entry in ClinVar:

ClinVar aggregate classification (germline): Uncertain significance (1 of 4 stars; one submission).

Submission:

GeneDx
Classification: Uncertain significance. Last evaluated: 2025-08-23. Review status: criteria provided, single submitter. Criteria: GeneDx Variant Classification Process June 2021. Collection method: clinical testing. Allele origin: germline. Affected: yes.
Comment: Not observed at significant frequency in large population cohorts (gnomAD); In silico analysis supports a deleterious effect on splicing; Has not been previously published as pathogenic or benign to our knowledge

NM_001042424.3(NSD2):c.3826+6T>C

Gene: NSD2 (nuclear receptor binding SET domain protein 2; plus strand). Cytogenetic location: 4p16.3.
Variant type: single nucleotide variant.
Coding change: c.3826+6T>C on transcript NM_001042424.3 (MANE Select); 6 bases into the intron after coding-DNA position 3826, T replaced by C.
Molecular consequence: intron variant.
Genome position (GRCh38, 1-based): chr4:1,976,685, T>C. VCF-style: chr4-1976685-T-C. GRCh37 (hg19) VCF-style: chr4-1978412-T-C.
Other names: c.3826+6T>C (NM_001440892.1, NM_133330.3, NM_133331.3 and 1 more transcripts); c.3925+6T>C (NM_001440893.1); c.2857+6T>C (NM_001440900.1, NM_001440899.1); c.3709+6T>C (NM_001440894.1); c.3679+6T>C (NM_001440895.1); c.3625+6T>C (NM_001440896.1); c.3619+6T>C (NM_001440897.1); c.3502+6T>C (NM_001440898.1).
Identifiers: ClinVar variation 4796644 (VCV004796644.1).